The following is an entry in ClinVar:

ClinVar aggregate classification (germline): Uncertain significance (1 of 4 stars; one submission).

Conditions:
Nemaline myopathy 2 (NEM2). Also called: Nemaline myopathy 2, autosomal recessive. Identifiers: MedGen C1850569, MONDO:0009725, OMIM 256030.

Submission:

Labcorp Genetics (formerly Invitae), Labcorp
Classification: Uncertain significance for Nemaline myopathy 2. Last evaluated: 2020-03-12. Review status: criteria provided, single submitter. Criteria: Invitae Variant Classification Sherloc (09022015). Collection method: clinical testing. Allele origin: germline.
Comment: This sequence change falls in intron 162 of the NEB gene. It does not directly change the encoded amino acid sequence of the NEB protein, but it affects a nucleotide within the consensus splice site of the intron. This variant is not present in population databases (ExAC no frequency). This variant has not been reported in the literature in individuals with NEB-related conditions. Nucleotide substitutions within the consensus splice site are a relatively common cause of aberrant splicing (PMID: 17576681, 9536098). Algorithms developed to predict the effect of sequence changes on RNA splicing suggest that this variant may disrupt the consensus splice site, but this prediction has not been confirmed by published transcriptional studies. In summary, the available evidence is currently insufficient to determine the role of this variant in disease. Therefore, it has been classified as a Variant of Uncertain Significance.

Literature cited by the submitters: PubMed 17576681; PubMed 9536098.

NM_001164508.2(NEB):c.23346+2dup

Genes: NEB (nebulin; minus strand), RIF1 (replication timing regulatory factor 1; plus strand). Cytogenetic location: 2q23.3.
Variant type: Duplication.
Coding change: c.23346+2dup on transcript NM_001164508.2 (MANE Select); the canonical splice donor site of the intron after coding-DNA position 23346, one base duplicated (T; older notation c.23346+2dupT).
Molecular consequence: splice donor variant.
Genome position (GRCh38, 1-based): chr2:151,512,731, A duplicated on the plus strand (T on the coding strand, the reverse complement: NEB is on the minus strand). VCF-style (leftmost placement, unchanged base first): chr2-151512730-T-TA. GRCh37 (hg19) VCF-style: chr2-152369244-T-TA.
Other names: c.18243+2dup (NM_004543.5); c.23346+2dup (NM_001164507.2); c.23451+2dup (NM_001271208.2).
Identifiers: ClinVar variation 1061330 (VCV001061330.7), dbSNP rs2153272570, ClinGen allele CA2499215005.
Genomic context (GRCh38, chr2:151,512,730, plus strand): 5'-TGGAAGGACTTCCATTCTTTCATGATTGGGGTTTATGAGTGATGGCATGACGAATGTCCT[T>TA]ACCTGGCTTGAAAGATTCTTGACTTGTTGGGCATGAATGATCTCTGGAGTATCAACCACA-3'